The following is an entry in ClinVar:

NM_177438.3(DICER1):c.4741C>T (p.Leu1581Phe)

Gene: DICER1 (dicer 1, ribonuclease III; minus strand). Cytogenetic location: 14q32.13.
Variant type: single nucleotide variant.
Coding change: c.4741C>T on transcript NM_177438.3 (MANE Select); coding-DNA position 4741, C replaced by T.
Protein change: p.Leu1581Phe; replaces leucine 1581 with phenylalanine.
Molecular consequence: missense variant.
Genome position (GRCh38, 1-based): chr14:95,096,179, G>A on the plus strand (C>T on the coding strand, the complement: DICER1 is on the minus strand). VCF-style: chr14-95096179-G-A. GRCh37 (hg19) VCF-style: chr14-95562516-G-A.
Other names: c.4741C>T, p.Leu1581Phe (NM_001195573.1, NM_001271282.3, NM_001291628.2 and 1 more transcripts); short protein forms L1581F.
Identifiers: ClinVar variation 825136 (VCV000825136.15), dbSNP rs1595339827, ClinGen allele CA390867362.
Genomic context (GRCh38, chr14:95,096,179, plus strand): 5'-TTTCCCGATCAGTCCTTTTAATTACCGGGAGCACCTTCAGCCCCAGTGAACAGAGGAAAA[G>A]CTGAGCAGCCCTCTCCCCACAGCTGGTTAAATAGCAGCCCAGCAGGGCTTCCACACAGTC-3'
Protein context (NP_803187.1, residues 1571-1591): LTSCGERAAQ[Leu1581Phe]FLCSLGLKVL

ClinVar aggregate classification (germline): Uncertain significance. Review status: criteria provided, multiple submitters, no conflicts (2 of 4 stars). 2 submissions from 2 submitters: Uncertain significance (2). Last evaluated 2023-11-28.

Conditions:
Hereditary cancer-predisposing syndrome. Also called: Neoplastic Syndromes, Hereditary; Hereditary Cancer Syndrome; Hereditary neoplastic syndrome; Tumor predisposition. Identifiers: Orphanet 140162, MedGen C0027672, MeSH D009386, MONDO:0015356.
DICER1-related tumor predisposition. Also called: DICER1-related pleuropulmonary blastoma cancer predisposition syndrome; DICER1 syndrome. Identifiers: Orphanet 284343, MedGen C3839822, MONDO:0100216.

Allele frequency attached by ClinVar (database versions not stated): gnomAD exomes below 0.00001.
gnomAD v4.1: 4 of 1,614,214 alleles (0.00025%); highest among the groups gnomAD compares: Non-Finnish European, 0.00034%; no homozygotes.

Submissions (2):

Labcorp Genetics (formerly Invitae), Labcorp
Classification: Uncertain significance for DICER1-related tumor predisposition. Last evaluated: 2023-11-28. Review status: criteria provided, single submitter. Criteria: Invitae Variant Classification Sherloc (09022015). Collection method: clinical testing. Allele origin: germline.
Comment: This sequence change replaces leucine, which is neutral and non-polar, with phenylalanine, which is neutral and non-polar, at codon 1581 of the DICER1 protein (p.Leu1581Phe). This variant is not present in population databases (gnomAD no frequency). This variant has not been reported in the literature in individuals affected with DICER1-related conditions. ClinVar contains an entry for this variant (Variation ID: 825136). Advanced modeling of protein sequence and biophysical properties (such as structural, functional, and spatial information, amino acid conservation, physicochemical variation, residue mobility, and thermodynamic stability) performed at Invitae indicates that this missense variant is expected to disrupt DICER1 protein function with a positive predictive value of 80%. In summary, the available evidence is currently insufficient to determine the role of this variant in disease. Therefore, it has been classified as a Variant of Uncertain Significance.

Ambry Genetics
Classification: Uncertain significance for Hereditary cancer-predisposing syndrome. Last evaluated: 2022-04-03. Review status: criteria provided, single submitter. Criteria: Ambry Variant Classification Scheme 2023. Collection method: clinical testing. Allele origin: germline.
Comment: The p.L1581F variant (also known as c.4741C>T), located in coding exon 22 of the DICER1 gene, results from a C to T substitution at nucleotide position 4741. The leucine at codon 1581 is replaced by phenylalanine, an amino acid with highly similar properties. This amino acid position is well conserved in available vertebrate species. In addition, the in silico prediction for this alteration is inconclusive. Since supporting evidence is limited at this time, the clinical significance of this alteration remains unclear.